The following is an entry in ClinVar:

NM_152564.5(VPS13B):c.-6T>G

Gene: VPS13B (vacuolar protein sorting 13 homolog B; plus strand). Cytogenetic location: 8q22.2.
Variant type: single nucleotide variant.
Coding change: c.-6T>G on transcript NM_152564.5 (MANE Select); 6 bases upstream of the start codon, T replaced by G.
Molecular consequence: 5 prime UTR variant. On other transcripts: non-coding transcript variant (1).
Genome position (GRCh38, 1-based): chr8:99,013,783, T>G. VCF-style: chr8-99013783-T-G. GRCh37 (hg19) VCF-style: chr8-100026011-T-G.
Other names: c.-6T>G (NM_015243.3, NM_017890.5, NM_181661.3).
Identifiers: ClinVar variation 4980072 (VCV004980072.1).

ClinVar aggregate classification (germline): Likely benign (1 of 4 stars; one submission).

Conditions:
VPS13B-related disorder. Also called: VPS13B-related condition.

Submission:

PreventionGenetics, part of Exact Sciences
Classification: Likely benign for VPS13B-related condition. Last evaluated: 2026-09-23. Review status: criteria provided, single submitter. Criteria: ACMG Guidelines, 2015. Collection method: clinical testing. Allele origin: germline.
Comment: This variant is classified as likely benign based on ACMG/AMP sequence variant interpretation guidelines (Richards et al. 2015 PMID: 25741868, with internal and published modifications).